The following is an entry in ClinVar:

ClinVar aggregate classification (germline): Uncertain significance. Review status: criteria provided, multiple submitters, no conflicts (2 of 4 stars). 2 submissions from 2 submitters: Uncertain significance (2). Last evaluated 2023-10-24.

Allele frequency attached by ClinVar (database versions not stated): gnomAD exomes 0.00001; 1000 Genomes Project 30x 0.00016; 1000 Genomes Project 0.00020; gnomAD 0.00002; ExAC 0.00003.
gnomAD v4.1: 11 of 1,613,808 alleles (0.00068%); highest among the groups gnomAD compares: African/African-American, 0.0013%; no homozygotes.

Submissions (2):

Women's Health and Genetics/Laboratory Corporation of America, LabCorp
Classification: Uncertain significance. Last evaluated: 2023-10-24. Review status: criteria provided, single submitter. Criteria: LabCorp Variant Classification Summary - May 2015. Collection method: clinical testing. Allele origin: germline.
Comment: Variant summary: TUBB3 c.1321G>A (p.Glu441Lys) results in a conservative amino acid change in the encoded protein sequence. Four of five in-silico tools predict a benign effect of the variant on protein function. The variant allele was found at a frequency of 2e-05 in 251090 control chromosomes. The available data on variant occurrences in the general population are insufficient to allow any conclusion about variant significance. To our knowledge, no occurrence of c.1321G>A in individuals affected with Cortical Dysplasia, Complex, With Other Brain Malformations 1 and no experimental evidence demonstrating its impact on protein function have been reported. One submitter has cited clinical-significance assessments for this variant to ClinVar after 2014 and has classified the variant as uncertain significance. Based on the evidence outlined above, the variant was classified as uncertain significance.

Labcorp Genetics (formerly Invitae), Labcorp
Classification: Uncertain significance. Last evaluated: 2023-02-06. Review status: criteria provided, single submitter. Criteria: Invitae Variant Classification Sherloc (09022015). Collection method: clinical testing. Allele origin: germline.
Comment: In summary, the available evidence is currently insufficient to determine the role of this variant in disease. Therefore, it has been classified as a Variant of Uncertain Significance. Advanced modeling of protein sequence and biophysical properties (such as structural, functional, and spatial information, amino acid conservation, physicochemical variation, residue mobility, and thermodynamic stability) has been performed at Invitae for this missense variant, however the output from this modeling did not meet the statistical confidence thresholds required to predict the impact of this variant on TUBB3 protein function. This variant has not been reported in the literature in individuals affected with TUBB3-related conditions. This variant is present in population databases (rs143328134, gnomAD 0.01%). This sequence change replaces glutamic acid, which is acidic and polar, with lysine, which is basic and polar, at codon 441 of the TUBB3 protein (p.Glu441Lys).

NM_006086.4(TUBB3):c.1321G>A (p.Glu441Lys)

Gene: TUBB3 (tubulin beta 3 class III; plus strand). Cytogenetic location: 16q24.3.
Variant type: single nucleotide variant.
Coding change: c.1321G>A on transcript NM_006086.4 (MANE Select); coding-DNA position 1321, G replaced by A.
Protein change: p.Glu441Lys; replaces glutamic acid 441 with lysine.
Molecular consequence: missense variant.
Genome position (GRCh38, 1-based): chr16:89,935,772, G>A. VCF-style: chr16-89935772-G-A. GRCh37 (hg19) VCF-style: chr16-90002180-G-A.
Other names: c.1105G>A, p.Glu369Lys (NM_001197181.2); short protein forms E369K, E441K.
Identifiers: ClinVar variation 2048105 (VCV002048105.5), dbSNP rs143328134, ClinGen allele CA8256244.